The following is an entry in ClinVar:

ClinVar aggregate classification (germline): Pathogenic (1 of 4 stars; one submission).

Submission:

Labcorp Genetics (formerly Invitae), Labcorp
Classification: Pathogenic. Last evaluated: 2023-12-31. Review status: criteria provided, single submitter. Criteria: Invitae Variant Classification Sherloc (09022015). Collection method: clinical testing. Allele origin: unknown.
Comment: This variant is a gross deletion of the genomic region encompassing exon(s) 9-11 of the MYO7A gene. This variant would be expected to be in-frame, preserving the integrity of the reading frame. This variant has not been reported in the literature in individuals affected with MYO7A-related conditions. This variant disrupts a region of the MYO7A protein in which other variant(s) (p.Leu366Pro) have been determined to be pathogenic (PMID: 17361009, 27460420). This suggests that this is a clinically significant region of the protein, and that variants that disrupt it are likely to be disease-causing. For these reasons, this variant has been classified as Pathogenic.

Literature cited by the submitters: PubMed 17361009; PubMed 27460420.

NC_000011.9:g.(?_76868496)_(76871999_?)del

Gene: MYO7A (myosin VIIA; plus strand). Cytogenetic location: 11q13.5.
Variant type: Deletion.
Identifiers: ClinVar variation 3244718 (VCV003244718.1).